The following is an entry in ClinVar:

ClinVar aggregate classification (germline): Uncertain significance (1 of 4 stars; one submission).

Allele frequency attached by ClinVar (database versions not stated): TOPMed below 0.00001; gnomAD exomes 0.00003; ExAC 0.00004; ESP Exome Variant Server 0.00008.
gnomAD v4.1: 16 of 1,614,250 alleles (0.00099%); highest among the groups gnomAD compares: South Asian, 0.013%; no homozygotes.

Submission:

GeneDx
Classification: Uncertain significance. Last evaluated: 2020-10-13. Review status: criteria provided, single submitter. Criteria: GeneDx Variant Classification Process June 2021. Collection method: clinical testing. Allele origin: germline. Affected: yes.
Comment: Has not been previously published as pathogenic or benign to our knowledge; In silico analysis supports that this missense variant does not alter protein structure/function

NM_003244.4(TGIF1):c.560C>G (p.Ser187Cys)

Gene: TGIF1 (TGFB induced factor homeobox 1; plus strand). Cytogenetic location: 18p11.31.
Variant type: single nucleotide variant.
Coding change: c.560C>G on transcript NM_003244.4 (MANE Select); coding-DNA position 560, C replaced by G.
Protein change: p.Ser187Cys; replaces serine 187 with cysteine.
Molecular consequence: missense variant.
Genome position (GRCh38, 1-based): chr18:3,457,681, C>G. VCF-style: chr18-3457681-C-G. GRCh37 (hg19) VCF-style: chr18-3457679-C-G.
Other names: c.569C>G, p.Ser190Cys (NM_001278682.2); c.560C>G, p.Ser187Cys (NM_001278684.2, NM_173208.3); c.500C>G, p.Ser167Cys (NM_001278686.3, NM_001374396.1, NM_001374397.1 and 5 more transcripts); c.602C>G, p.Ser201Cys (NM_173207.4); short protein forms S167C, S187C, S190C, S201C.
Identifiers: ClinVar variation 1313394 (VCV001313394.2), dbSNP rs374994543, ClinGen allele CA8875975.